The following is an entry in ClinVar:

NM_016222.4(DDX41):c.1099-10del

Gene: DDX41 (DEAD-box helicase 41; minus strand). Cytogenetic location: 5q35.3.
Variant type: Deletion.
Coding change: c.1099-10del on transcript NM_016222.4 (MANE Select); 10 bases into the intron before coding-DNA position 1099, one base deleted (T; older notation c.1099-10delT).
Molecular consequence: intron variant.
Genome position (GRCh38, 1-based): chr5:177,513,494, A deleted on the plus strand (T on the coding strand, the reverse complement: DDX41 is on the minus strand). VCF-style (leftmost placement, unchanged base first): chr5-177513493-GA-G. GRCh37 (hg19) VCF-style: chr5-176940494-GA-G.
Other names: c.721-10del (NM_001321830.2, NM_001321732.2).
Identifiers: ClinVar variation 5038361 (VCV005038361.1).
Genomic context (GRCh38, chr5:177,513,493, plus strand): 5'-TCTGAATCTTCTTCGGCATGGTGGCACTGAAGAGCAGGGTCTGTCGCTGGCCCTGAGGAA[GA>G]GGGGGGCTGCGACCAAGGGCACACAGGGCTGGGCTGAGGGGCATGGGGTCTGGGGAAGCT-3'

ClinVar aggregate classification (germline): Uncertain significance (1 of 4 stars; one submission).

Conditions:
DDX41-related hematologic malignancy predisposition syndrome. Also called: DDX41-Associated Familial Myelodysplastic Syndrome and Acute Myeloid Leukemia; Myeloproliferative/lymphoproliferative neoplasms, familial (multiple types), susceptibility to. Identifiers: Orphanet 488647, MedGen C4225174, MONDO:0014809, OMIM 616871.

Submission:

St. Jude Molecular Pathology, St. Jude Children's Research Hospital
Classification: Uncertain significance for DDX41-related hematologic malignancy predisposition syndrome. Last evaluated: 2026-10-01. Review status: criteria provided, single submitter. Criteria: St. Jude Assertion Criteria 2020. Collection method: clinical testing. Allele origin: germline.
Comment: The DDX41 c.1099-10del intronic change results in a deletion at the -10 position of intron 10 of the DDX41 gene. Algorithms that predict the impact of seque nce changes on splicing are inconclusive. This variant is absent in gnomAD v2.1.1. To our knowledge, this variant has not been reported in individuals with DDX41-associated familial myeloproliferative/lymphoproliferati ve neoplasms. In summary, the evidence currently available is insufficient to determine the clinical significance of this variant. It has therefore been classified as of uncertain significance.